The following is an entry in ClinVar:

NM_003384.3(VRK1):c.222del (p.Ser75fs)

Gene: VRK1 (VRK serine/threonine kinase 1; plus strand). Cytogenetic location: 14q32.2.
Variant type: Deletion.
Coding change: c.222del on transcript NM_003384.3 (MANE Select); coding-DNA position 222, one base deleted (C; older notation c.222delC).
Protein change: p.Ser75fs; shifts the reading frame from serine 75.
Molecular consequence: frameshift variant.
Genome position (GRCh38, 1-based): chr14:96,846,100, C deleted; the last of 3 consecutive C bases (chr14:96,846,098-96,846,100); deleting any one gives the same sequence. VCF-style (leftmost placement, unchanged base first): chr14-96846097-AC-A. GRCh37 (hg19) VCF-style: chr14-97312434-AC-A.
Other names: p.Ser75Valfs*10; short protein forms S75fs.
Identifiers: ClinVar variation 1071599 (VCV001071599.47), dbSNP rs2139779014, ClinGen allele CA2499222848.

ClinVar aggregate classification (germline): Pathogenic/Likely pathogenic. Review status: criteria provided, multiple submitters, no conflicts (2 of 4 stars). 2 submissions from 2 submitters: Pathogenic (1); Likely pathogenic (1). Last evaluated 2024-07-22.

Conditions:
Pontocerebellar hypoplasia type 1A (PCH1A). Also called: PONTOCEREBELLAR HYPOPLASIA WITH ANTERIOR HORN CELL DISEASE; PONTOCEREBELLAR HYPOPLASIA WITH INFANTILE SPINAL MUSCULAR ATROPHY. Identifiers: Orphanet 2254, Orphanet 88616, MedGen C1843504, MONDO:0011866, OMIM 607596.

Submissions (2):

Mayo Clinic Laboratories, Mayo Clinic
Classification: Likely pathogenic. Last evaluated: 2024-07-22. Review status: criteria provided, single submitter. Criteria: ACMG Guidelines, 2015. Collection method: clinical testing. Allele origin: germline. Observed: 1 variant allele.
Comment: PM2, PVS1

Labcorp Genetics (formerly Invitae), Labcorp
Classification: Pathogenic for Pontocerebellar hypoplasia type 1A. Last evaluated: 2024-01-18. Review status: criteria provided, single submitter. Criteria: Invitae Variant Classification Sherloc (09022015). Collection method: clinical testing. Allele origin: germline.
Comment: This sequence change creates a premature translational stop signal (p.Ser75Valfs*10) in the VRK1 gene. It is expected to result in an absent or disrupted protein product. Loss-of-function variants in VRK1 are known to be pathogenic (PMID: 19646678, 24126608, 27281532). This variant is not present in population databases (gnomAD no frequency). This variant has not been reported in the literature in individuals affected with VRK1-related conditions. ClinVar contains an entry for this variant (Variation ID: 1071599). For these reasons, this variant has been classified as Pathogenic.

Literature cited by the submitters: PubMed 19646678 (cited by Labcorp Genetics (formerly Invitae), Labcorp); PubMed 24126608 (cited by Labcorp Genetics (formerly Invitae), Labcorp); PubMed 27281532 (cited by Labcorp Genetics (formerly Invitae), Labcorp).